The following is an entry in ClinVar:

ClinVar aggregate classification (germline): Uncertain significance (1 of 4 stars; one submission).

Conditions:
Brugada syndrome. Also called: Sudden unexpected nocturnal death syndrome; Sudden Unexplained Death Syndrome; Sudden Unexplained Nocturnal Death Syndrome (SUNDS); Sudden unexplained nocturnal death syndrome. Identifiers: Orphanet 130, MedGen C1142166, MONDO:0015263.

Submission:

Labcorp Genetics (formerly Invitae), Labcorp
Classification: Uncertain significance for Brugada syndrome. Last evaluated: 2022-11-17. Review status: criteria provided, single submitter. Criteria: Invitae Variant Classification Sherloc (09022015). Collection method: clinical testing. Allele origin: unknown.
Comment: In summary, the available evidence is currently insufficient to determine the role of this variant in disease. Therefore, it has been classified as a Variant of Uncertain Significance. Isolated whole-gene copy number gain of SLMAP have not been reported in the literature. However, larger copy number events that include this gene have been reported (PMID: 30689869). A copy number gain of the genomic region encompassing the full coding sequence of the SLMAP gene has been identified. The boundaries of this event are unknown as they extend beyond the assayed region for this gene and therefore may encompass additional genes. As the precise location of this event is unknown, it may be in tandem or it may be located elsewhere in the genome.

Literature cited by the submitters: PubMed 30689869.

NC_000003.11:g.(?_57743379)_(57913115_?)dup

Gene: SLMAP (sarcolemma associated protein; plus strand). Cytogenetic location: 3p14.3.
Variant type: Duplication.
Identifiers: ClinVar variation 3246878 (VCV003246878.1).